The following is an entry in ClinVar:

ClinVar aggregate classification (germline): Uncertain significance (1 of 4 stars; one submission).

Conditions:
Trichorhinophalangeal syndrome, type III (TRPS3). Also called: SUGIO-KAJII SYNDROME. Identifiers: Orphanet 77258, MedGen C1860823, OMIM 190351, MONDO:0008597.
Trichorhinophalangeal dysplasia type I (TRPS1). Also called: TRPS I; TRICHORHINOPHALANGEAL SYNDROME, TYPE I. Identifiers: Orphanet 77258, MedGen C0432233, MONDO:0008596, OMIM 190350.

Submission:

Labcorp Genetics (formerly Invitae), Labcorp
Classification: Uncertain significance for Trichorhinophalangeal syndrome, type III; Trichorhinophalangeal dysplasia type I. Last evaluated: 2021-12-22. Review status: criteria provided, single submitter. Criteria: Invitae Variant Classification Sherloc (09022015). Collection method: clinical testing. Allele origin: germline.
Comment: This sequence change replaces proline, which is neutral and non-polar, with glutamine, which is neutral and polar, at codon 1106 of the TRPS1 protein (p.Pro1106Gln). This variant is not present in population databases (gnomAD no frequency). In summary, the available evidence is currently insufficient to determine the role of this variant in disease. Therefore, it has been classified as a Variant of Uncertain Significance. Algorithms developed to predict the effect of missense changes on protein structure and function are either unavailable or do not agree on the potential impact of this missense change (SIFT: "Deleterious"; PolyPhen-2: "Probably Damaging"; Align-GVGD: "Class C0"). This variant has not been reported in the literature in individuals affected with TRPS1-related conditions.

NM_014112.5(TRPS1):c.3317C>A (p.Pro1106Gln)

Gene: TRPS1 (transcriptional repressor GATA binding 1; minus strand). Cytogenetic location: 8q23.3.
Variant type: single nucleotide variant.
Coding change: c.3317C>A on transcript NM_014112.5 (MANE Select); coding-DNA position 3317, C replaced by A.
Protein change: p.Pro1106Gln; replaces proline 1106 with glutamine.
Molecular consequence: missense variant.
Genome position (GRCh38, 1-based): chr8:115,414,591, G>T on the plus strand (C>A on the coding strand, the complement: TRPS1 is on the minus strand). VCF-style: chr8-115414591-G-T. GRCh37 (hg19) VCF-style: chr8-116426819-G-T.
Other names: c.3290C>A, p.Pro1097Gln (NM_001282902.3); c.3296C>A, p.Pro1099Gln (NM_001282903.3); c.3278C>A, p.Pro1093Gln (NM_001330599.2); short protein forms P1106Q, P1093Q, P1097Q, P1099Q.
Identifiers: ClinVar variation 2053780 (VCV002053780.4), dbSNP rs2129748721, ClinGen allele CA372063018.